The following is an entry in ClinVar:

ClinVar aggregate classification (germline): Likely benign. Review status: criteria provided, single submitter (1 of 4 stars). 2 submissions from 1 submitter: Likely benign (2). Last evaluated 2018-01-13.

Conditions:
Amyotrophic lateral sclerosis type 8 (ALS8). Identifiers: Orphanet 803, MedGen C1837728, MONDO:0012077, OMIM 608627.
Adult-onset proximal spinal muscular atrophy, autosomal dominant. Also called: FINKEL LATE-ADULT TYPE SMA; Spinal muscular atrophy, late-onset, finkel type. Identifiers: Orphanet 209335, MedGen C1854058, MONDO:0008453, OMIM 182980.

Allele frequency attached by ClinVar (database versions not stated): gnomAD 0.00025 and 0.00034; gnomAD exomes 0.00026 and 0.00059; TOPMed 0.00045; 1000 Genomes Project 30x 0.00094; 1000 Genomes Project 0.00120.
gnomAD v4.1: 127 of 453,964 alleles (0.028%); highest among the groups gnomAD compares: East Asian, 0.82%; no homozygotes.

Submissions (2):

Illumina Laboratory Services, Illumina
Classification: Likely benign for Adult-onset proximal spinal muscular atrophy, autosomal dominant. Last evaluated: 2018-01-13. Review status: criteria provided, single submitter. Criteria: ICSL Variant Classification Criteria 13 December 2019. Collection method: clinical testing. Allele origin: germline.
Comment: This variant was observed in the ICSL laboratory as part of a predisposition screen in an ostensibly healthy population. It had not been previously curated by ICSL or reported in the Human Gene Mutation Database (HGMD: prior to June 1st, 2018), and was therefore a candidate for classification through an automated scoring system. Utilizing variant allele frequency, disease prevalence and penetrance estimates, and inheritance mode, an automated score was calculated to assess if this variant is too frequent to cause the disease. Based on the score and internal cut-off values, a variant classified as likely benign is not then subjected to further curation. The score for this variant resulted in a classification of likely benign for this disease.

Illumina Laboratory Services, Illumina
Classification: Likely benign for Amyotrophic lateral sclerosis type 8. Last evaluated: 2018-01-13. Review status: criteria provided, single submitter. Criteria: ICSL Variant Classification Criteria 13 December 2019. Collection method: clinical testing. Allele origin: germline.
Comment: the same text as in the submission from Illumina Laboratory Services, Illumina above.

NM_004738.5(VAPB):c.*3805G>C

Gene: VAPB (VAMP associated protein B and C; plus strand). Cytogenetic location: 20q13.32.
Variant type: single nucleotide variant.
Coding change: c.*3805G>C on transcript NM_004738.5 (MANE Select); 3805 bases downstream of the stop codon, G replaced by C.
Molecular consequence: 3 prime UTR variant. On other transcripts: non-coding transcript variant (1).
Genome position (GRCh38, 1-based): chr20:58,448,040, G>C. VCF-style: chr20-58448040-G-C. GRCh37 (hg19) VCF-style: chr20-57023096-G-C.
Other names: c.*3875G>C (NM_001195677.2).
Identifiers: ClinVar variation 338981 (VCV000338981.6), dbSNP rs561048421, ClinGen allele CA10644166.